The following is an entry in ClinVar:

ClinVar aggregate classification (germline): Likely pathogenic (1 of 4 stars; one submission).

gnomAD v4.1: 1 of 1,580,940 alleles (0.000063%); highest among the groups gnomAD compares: Non-Finnish European, 0.000087%; no homozygotes.

Submission:

Labcorp Genetics (formerly Invitae), Labcorp
Classification: Likely pathogenic. Last evaluated: 2024-10-03. Review status: criteria provided, single submitter. Criteria: Invitae Variant Classification Sherloc (09022015). Collection method: clinical testing. Allele origin: germline.
Comment: This sequence change affects an acceptor splice site in intron 10 of the ERCC3 gene. It is expected to disrupt RNA splicing. Variants that disrupt the donor or acceptor splice site typically lead to a loss of protein function (PMID: 16199547), and loss-of-function variants in ERCC3 are known to be pathogenic (PMID: 16947863). This variant is not present in population databases (gnomAD no frequency). This variant has not been reported in the literature in individuals affected with ERCC3-related conditions. Algorithms developed to predict the effect of sequence changes on RNA splicing suggest that this variant may disrupt the consensus splice site. In summary, the currently available evidence indicates that the variant is pathogenic, but additional data are needed to prove that conclusively. Therefore, this variant has been classified as Likely Pathogenic.

Literature cited by the submitters: PubMed 16199547; PubMed 16947863.

NM_000122.2(ERCC3):c.1731-2A>G

Gene: ERCC3 (ERCC excision repair 3, TFIIH core complex helicase subunit; minus strand). Cytogenetic location: 2q14.3.
Variant type: single nucleotide variant.
Coding change: c.1731-2A>G on transcript NM_000122.2 (MANE Select); the canonical splice acceptor site of the intron before coding-DNA position 1731, A replaced by G.
Molecular consequence: splice acceptor variant.
Genome position (GRCh38, 1-based): chr2:127,272,963, T>C on the plus strand (A>G on the coding strand, the complement: ERCC3 is on the minus strand). VCF-style: chr2-127272963-T-C. GRCh37 (hg19) VCF-style: chr2-128030539-T-C.
Other names: c.1539-2A>G (NM_001303416.2, NM_001303418.2).
Identifiers: ClinVar variation 3664293 (VCV003664293.2).